The following is an entry in ClinVar:

NM_001297595.2(SIN3B):c.1122G>A (p.Ala374=)

Gene: SIN3B (SIN3 transcription regulator family member B; plus strand). Cytogenetic location: 19p13.11.
Variant type: single nucleotide variant.
Coding change: c.1122G>A on transcript NM_001297595.2 (MANE Select); coding-DNA position 1122, G replaced by A.
Protein change: p.Ala374=; no amino-acid change (alanine 374 retained).
Molecular consequence: synonymous variant.
Genome position (GRCh38, 1-based): chr19:16,862,415, G>A. VCF-style: chr19-16862415-G-A. GRCh37 (hg19) VCF-style: chr19-16973226-G-A.
Other names: c.1122G>A, p.Ala374= (NM_015260.4).
Identifiers: ClinVar variation 3357517 (VCV003357517.1).

ClinVar aggregate classification (germline): Likely benign (0 of 4 stars; one submission).

Conditions:
SIN3B-related disorder. Also called: SIN3B-related condition.

Submission:

PreventionGenetics, part of Exact Sciences
Classification: Likely benign for SIN3B-related condition. Last evaluated: 2019-08-28. Review status: no assertion criteria provided. Collection method: clinical testing. Allele origin: germline.
Comment: This variant is classified as likely benign based on ACMG/AMP sequence variant interpretation guidelines (Richards et al. 2015 PMID: 25741868, with internal and published modifications).